The following is an entry in ClinVar:

ClinVar aggregate classification (germline): Pathogenic (1 of 4 stars; one submission).

Conditions:
Retinoblastoma (RB1). Also called: RETINOBLASTOMA, SOMATIC. Identifiers: Orphanet 790, MedGen C0035335, MeSH D012175, MONDO:0008380, OMIM 180200, HP:0009919. Disease mechanism: loss of function. Inheritance: Both sporadic and heritable forms are tested..

Submission:

Labcorp Genetics (formerly Invitae), Labcorp
Classification: Pathogenic for Retinoblastoma. Last evaluated: 2018-09-24. Review status: criteria provided, single submitter. Criteria: Invitae Variant Classification Sherloc (09022015). Collection method: clinical testing. Allele origin: germline.
Comment: This sequence change creates a premature translational stop signal (p.Leu660Valfs*11) in the RB1 gene. It is expected to result in an absent or disrupted protein product. This variant is not present in population databases (ExAC no frequency). For these reasons, this variant has been classified as Pathogenic. Loss-of-function variants in RB1 are known to be pathogenic (PMID: 17096365). This variant has not been reported in the literature in individuals with RB1-related disease.

Literature cited by the submitters: PubMed 17096365.

NM_000321.3(RB1):c.1978_1996del (p.Leu660fs)

Gene: RB1 (RB transcriptional corepressor 1; plus strand). Cytogenetic location: 13q14.2.
Variant type: Deletion.
Coding change: c.1978_1996del on transcript NM_000321.3 (MANE Select); coding-DNA positions 1978 to 1996, 19 bases deleted (CTCCGGCTAAATACACTTT).
Protein change: p.Leu660fs; shifts the reading frame from leucine 660.
Molecular consequence: frameshift variant.
Genome position (GRCh38, 1-based): chr13:48,459,705-48,459,723, CTCCGGCTAAATACACTTT deleted; deleting any 19 consecutive bases within chr13:48,459,704-48,459,723 gives the same sequence; the c. name uses the placement nearest the transcript's 3' end. VCF-style (leftmost placement, unchanged base first): chr13-48459703-ATCTCCGGCTAAATACACTT-A. GRCh37 (hg19) VCF-style: chr13-49033839-ATCTCCGGCTAAATACACTT-A.
Other names: c.1978_1996delCTCCGGCTAAATACACTTT (NM_000321.2); short protein forms L660fs.
Identifiers: ClinVar variation 652191 (VCV000652191.6), dbSNP rs1593534586, ClinGen allele CA915948565.